The following is an entry in ClinVar:

ClinVar aggregate classification (germline): Uncertain significance. Review status: criteria provided, multiple submitters, no conflicts (2 of 4 stars). 3 submissions from 3 submitters: Uncertain significance (3). Last evaluated 2024-07-22.

Conditions:
Inborn genetic diseases. Identifiers: MedGen C0950123, MeSH D030342.
Factor XIII, A subunit, deficiency of. Also called: Factor XIII subunit A deficiency. Identifiers: Orphanet 331, MedGen C2750514, MONDO:0013187, OMIM 613225, HP:0040233.

Allele frequency attached by ClinVar (database versions not stated): ExAC 0.00001; gnomAD exomes 0.00002 and 0.00003; gnomAD 0.00022 and 0.00023; TOPMed 0.00048.
gnomAD v4.1: 61 of 1,614,076 alleles (0.0038%); highest among the groups gnomAD compares: Admixed American, 0.083%; 2 homozygotes.

Submissions (3):

Ambry Genetics
Classification: Uncertain significance for Inborn genetic diseases. Last evaluated: 2024-07-22. Review status: criteria provided, single submitter. Criteria: Ambry Variant Classification Scheme 2023. Collection method: clinical testing. Allele origin: germline.

Women's Health and Genetics/Laboratory Corporation of America, LabCorp
Classification: Uncertain significance. Last evaluated: 2023-12-22. Review status: criteria provided, single submitter. Criteria: LabCorp Variant Classification Summary - May 2015. Collection method: clinical testing. Allele origin: germline.
Comment: Variant summary: F13A1 c.1492G>T (p.Ala498Ser) results in a conservative amino acid change in the encoded protein sequence. Four of five in-silico tools predict a damaging effect of the variant on protein function. The variant allele was found at a frequency of 1.6e-05 in 251452 control chromosomes. The available data on variant occurrences in the general population are insufficient to allow any conclusion about variant significance. To our knowledge, no occurrence of c.1492G>T in individuals affected with Factor XIIIA Deficiency and no experimental evidence demonstrating its impact on protein function have been reported. Two submitters have cited clinical-significance assessments for this variant to ClinVar after 2014. All submitters classified the variant as uncertain significance. Based on the evidence outlined above, the variant was classified as uncertain significance.

Illumina Laboratory Services, Illumina
Classification: Uncertain significance for Factor XIII, A subunit, deficiency of. Last evaluated: 2017-04-28. Review status: criteria provided, single submitter. Criteria: ICSL Variant Classification Criteria 13 December 2019. Collection method: clinical testing. Allele origin: germline.

NM_000129.4(F13A1):c.1492G>T (p.Ala498Ser)

Gene: F13A1 (coagulation factor XIII A chain; minus strand). Cytogenetic location: 6p25.1.
Variant type: single nucleotide variant.
Coding change: c.1492G>T on transcript NM_000129.4 (MANE Select); coding-DNA position 1492, G replaced by T.
Protein change: p.Ala498Ser; replaces alanine 498 with serine.
Molecular consequence: missense variant.
Genome position (GRCh38, 1-based): chr6:6,174,835, C>A on the plus strand (G>T on the coding strand, the complement: F13A1 is on the minus strand). VCF-style: chr6-6174835-C-A. GRCh37 (hg19) VCF-style: chr6-6175068-C-A.
Other names: short protein forms A498S.
Identifiers: ClinVar variation 911738 (VCV000911738.8), dbSNP rs745888361, ClinGen allele CA3624327.
Genomic context (GRCh38, chr6:6,174,835, plus strand): 5'-TGGACCTTGATTTCATGACACCTTCTGTGTTGAGGGGCTTTTTAGCTCCGTACATCAGGG[C>A]AGTTTCTAGGGCCAATCTCTCTTCTTCTTGACCTGGGGGAGATCCAGAGATAATGACAGG-3'
Protein context (NP_000120.2, residues 488-508): QEEERLALET[Ala498Ser]LMYGAKKPLN